The following is an entry in ClinVar:

NM_002340.6(LSS):c.779G>A (p.Arg260His)

Gene: LSS (lanosterol synthase; minus strand). Cytogenetic location: 21q22.3.
Variant type: single nucleotide variant.
Coding change: c.779G>A on transcript NM_002340.6 (MANE Select); coding-DNA position 779, G replaced by A.
Protein change: p.Arg260His; replaces arginine 260 with histidine.
Molecular consequence: missense variant.
Genome position (GRCh38, 1-based): chr21:46,216,393, C>T on the plus strand (G>A on the coding strand, the complement: LSS is on the minus strand). VCF-style: chr21-46216393-C-T. GRCh37 (hg19) VCF-style: chr21-47636307-C-T.
Other names: c.779G>A, p.Arg260His (NM_001001438.3); c.746G>A, p.Arg249His (NM_001145436.2); c.539G>A, p.Arg180His (NM_001145437.2); c.779G>A (NM_002340.5); short protein forms R180H, R249H, R260H.
Identifiers: ClinVar variation 1306749 (VCV001306749.4), dbSNP rs570157673, ClinGen allele CA10075340.

ClinVar aggregate classification (germline): Uncertain significance. Review status: criteria provided, multiple submitters, no conflicts (2 of 4 stars). 2 submissions from 2 submitters: Uncertain significance (2). Last evaluated 2022-05-11.

Conditions:
Inborn genetic diseases. Identifiers: MedGen C0950123, MeSH D030342.

Allele frequency attached by ClinVar (database versions not stated): gnomAD exomes below 0.00001 and 0.00001; gnomAD 0.00001; ExAC 0.00002; 1000 Genomes Project 30x 0.00016; 1000 Genomes Project 0.00020.
gnomAD v4.1: 19 of 1,613,780 alleles (0.0012%); highest among the groups gnomAD compares: South Asian, 0.0022%; no homozygotes.

Submissions (2):

Ambry Genetics
Classification: Uncertain significance for Inborn genetic diseases. Last evaluated: 2022-05-11. Review status: criteria provided, single submitter. Criteria: Ambry Variant Classification Scheme 2023. Collection method: clinical testing. Allele origin: germline.

GeneDx
Classification: Uncertain significance. Last evaluated: 2019-07-11. Review status: criteria provided, single submitter. Criteria: GeneDx Variant Classification Process June 2021. Collection method: clinical testing. Allele origin: germline. Affected: yes.
Comment: Has not been previously published as pathogenic or benign to our knowledge; In silico analysis, which includes protein predictors and evolutionary conservation, supports a deleterious effect